The following is an entry in ClinVar:

NM_021067.5(GINS1):c.256C>G (p.Arg86Gly)

Gene: GINS1 (GINS complex subunit 1; plus strand). Cytogenetic location: 20p11.21.
Variant type: single nucleotide variant.
Coding change: c.256C>G on transcript NM_021067.5 (MANE Select); coding-DNA position 256, C replaced by G.
Protein change: p.Arg86Gly; replaces arginine 86 with glycine.
Molecular consequence: missense variant. On other transcripts: non-coding transcript variant (1), intron variant (1).
Genome position (GRCh38, 1-based): chr20:25,418,121, C>G. VCF-style: chr20-25418121-C-G. GRCh37 (hg19) VCF-style: chr20-25398757-C-G.
Other names: c.256C>G, p.Arg86Gly (NM_001410830.1); c.76-7090C>G (NM_001410831.1); short protein forms R86G.
Identifiers: ClinVar variation 3697870 (VCV003697870.2).

ClinVar aggregate classification (germline): Uncertain significance (1 of 4 stars; one submission).

Submission:

Labcorp Genetics (formerly Invitae), Labcorp
Classification: Uncertain significance. Last evaluated: 2024-03-28. Review status: criteria provided, single submitter. Criteria: Invitae Variant Classification Sherloc (09022015). Collection method: clinical testing. Allele origin: germline.
Comment: This sequence change replaces arginine, which is basic and polar, with glycine, which is neutral and non-polar, at codon 86 of the GINS1 protein (p.Arg86Gly). This variant is not present in population databases (gnomAD no frequency). This variant has not been reported in the literature in individuals affected with GINS1-related conditions. An algorithm developed to predict the effect of missense changes on protein structure and function (PolyPhen-2) suggests that this variant is likely to be disruptive. Algorithms developed to predict the effect of sequence changes on RNA splicing suggest that this variant may disrupt the consensus splice site. In summary, the available evidence is currently insufficient to determine the role of this variant in disease. Therefore, it has been classified as a Variant of Uncertain Significance.